The following is an entry in ClinVar:

NM_014874.4(MFN2):c.1477A>C (p.Met493Leu)

Gene: MFN2 (mitofusin 2; plus strand). Cytogenetic location: 1p36.22.
Variant type: single nucleotide variant.
Coding change: c.1477A>C on transcript NM_014874.4 (MANE Select); coding-DNA position 1477, A replaced by C.
Protein change: p.Met493Leu; replaces methionine 493 with leucine.
Molecular consequence: missense variant.
Genome position (GRCh38, 1-based): chr1:12,004,909, A>C. VCF-style: chr1-12004909-A-C. GRCh37 (hg19) VCF-style: chr1-12064966-A-C.
Other names: c.1477A>C, p.Met493Leu (NM_001127660.2); short protein forms M493L.
Identifiers: ClinVar variation 3694297 (VCV003694297.2).

ClinVar aggregate classification (germline): Uncertain significance (1 of 4 stars; one submission).

Conditions:
Charcot-Marie-Tooth disease type 2. Also called: Charcot-Marie-Tooth type 2. Identifiers: Orphanet 64746, MedGen C0270914, MONDO:0018993.

gnomAD v4.1: 6 of 1,610,682 alleles (0.00037%); highest among the groups gnomAD compares: Non-Finnish European, 0.00042%; no homozygotes.

Submission:

Labcorp Genetics (formerly Invitae), Labcorp
Classification: Uncertain significance for Charcot-Marie-Tooth disease type 2. Last evaluated: 2024-11-19. Review status: criteria provided, single submitter. Criteria: Invitae Variant Classification Sherloc (09022015). Collection method: clinical testing. Allele origin: germline.
Comment: This sequence change replaces methionine, which is neutral and non-polar, with leucine, which is neutral and non-polar, at codon 493 of the MFN2 protein (p.Met493Leu). This variant is present in population databases (no rsID available, gnomAD 0.002%). This variant has not been reported in the literature in individuals affected with MFN2-related conditions. Invitae Evidence Modeling of protein sequence and biophysical properties (such as structural, functional, and spatial information, amino acid conservation, physicochemical variation, residue mobility, and thermodynamic stability) indicates that this missense variant is not expected to disrupt MFN2 protein function with a negative predictive value of 80%. In summary, the available evidence is currently insufficient to determine the role of this variant in disease. Therefore, it has been classified as a Variant of Uncertain Significance.